The following is an entry in ClinVar:

NM_014991.6(WDFY3):c.8224G>A (p.Asp2742Asn)

Gene: WDFY3 (WD repeat and FYVE domain containing 3; minus strand). Cytogenetic location: 4q21.23.
Variant type: single nucleotide variant.
Coding change: c.8224G>A on transcript NM_014991.6 (MANE Select); coding-DNA position 8224, G replaced by A.
Protein change: p.Asp2742Asn; replaces aspartic acid 2742 with asparagine.
Molecular consequence: missense variant.
Genome position (GRCh38, 1-based): chr4:84,705,505, C>T on the plus strand (G>A on the coding strand, the complement: WDFY3 is on the minus strand). VCF-style: chr4-84705505-C-T. GRCh37 (hg19) VCF-style: chr4-85626658-C-T.
Other names: short protein forms D2742N.
Identifiers: ClinVar variation 4756091 (VCV004756091.1).
Genomic context (GRCh38, chr4:84,705,505, plus strand): 5'-CATCTGTTTGTGCTCCCATTGGCTTAGCCAGGTTTCTAAACGTCTTGGGATTAGTAAGAT[C>T]CACCTCCTAAAATACAAAATGTAACTCAATTCCAAGTTACTATACACTATCTAGCCTCAC-3'
Protein context (NP_055806.2, residues 2732-2752): ILADYDSEEV[Asp2742Asn]LTNPKTFRNL

ClinVar aggregate classification (germline): Uncertain significance (1 of 4 stars; one submission).

Submission:

GeneDx
Classification: Uncertain significance. Last evaluated: 2025-08-07. Review status: criteria provided, single submitter. Criteria: GeneDx Variant Classification Process June 2021. Collection method: clinical testing. Allele origin: germline. Affected: yes.
Comment: Not observed at significant frequency in large population cohorts (gnomAD); In silico analysis supports that this missense variant has a deleterious effect on protein structure/function; Has not been previously published as pathogenic or benign to our knowledge